The following is an entry in ClinVar:

ClinVar aggregate classification (germline): Uncertain significance (1 of 4 stars; one submission).

Conditions:
FGFR3-related chondrodysplasia. Identifiers: Orphanet 93420, MedGen C5681604, MONDO:0019685.

Submission:

Genomenon, Inc
Classification: Uncertain significance for FGFR3-related chondrodysplasia. Last evaluated: 2026-06-23. Review status: criteria provided, single submitter. Criteria: Genomenon Sequence Variant Interpretation Standards - Updated. Collection method: curation. Allele origin: germline. Affected: no.
Comment: FGFR3 p.Ala281Ser (c.841G>T) is a missense variant that changes the amino acid at codon 281 from Alanine to Serine. This variant has been reported in the published literature (PMID:35210354). It is absent or not present at a significant frequency in gnomAD. In conclusion, we classify FGFR3 p.Ala281Ser (c.841G>T) as a variant of uncertain significance.

Literature cited by the submitters: PubMed 35210354.

NM_000142.5(FGFR3):c.841G>T (p.Ala281Ser)

Gene: FGFR3 (fibroblast growth factor receptor 3; plus strand). Cytogenetic location: 4p16.3.
Variant type: single nucleotide variant.
Coding change: c.841G>T on transcript NM_000142.5 (MANE Select); coding-DNA position 841, G replaced by T.
Protein change: p.Ala281Ser; replaces alanine 281 with serine.
Molecular consequence: missense variant. On other transcripts: non-coding transcript variant (1).
Genome position (GRCh38, 1-based): chr4:1,801,936, G>T. VCF-style: chr4-1801936-G-T. GRCh37 (hg19) VCF-style: chr4-1803663-G-T.
Other names: c.841G>T, p.Ala281Ser (NM_001163213.2, NM_001354809.2, NM_001354810.2 and 1 more transcripts); short protein forms A281S.
Identifiers: ClinVar variation 4857821 (VCV004857821.1).